The following is an entry in ClinVar:

NM_004004.6(GJB2):c.319A>G (p.Ile107Val)

Gene: GJB2 (gap junction protein beta 2; minus strand). Cytogenetic location: 13q12.11.
Variant type: single nucleotide variant.
Coding change: c.319A>G on transcript NM_004004.6 (MANE Select); coding-DNA position 319, A replaced by G.
Protein change: p.Ile107Val; replaces isoleucine 107 with valine.
Molecular consequence: missense variant.
Genome position (GRCh38, 1-based): chr13:20,189,263, T>C on the plus strand (A>G on the coding strand, the complement: GJB2 is on the minus strand). VCF-style: chr13-20189263-T-C. GRCh37 (hg19) VCF-style: chr13-20763402-T-C.
Other names: short protein forms I107V.
Identifiers: ClinVar variation 4751052 (VCV004751052.1).

ClinVar aggregate classification (germline): Uncertain significance (1 of 4 stars; one submission).

Submission:

Labcorp Genetics (formerly Invitae), Labcorp
Classification: Uncertain significance. Last evaluated: 2025-08-30. Review status: criteria provided, single submitter. Criteria: Invitae Variant Classification Sherloc (09022015). Collection method: clinical testing. Allele origin: germline.
Comment: This sequence change replaces isoleucine, which is neutral and non-polar, with valine, which is neutral and non-polar, at codon 107 of the GJB2 protein (p.Ile107Val). This variant is not present in population databases (gnomAD no frequency). This missense change has been observed in individual(s) with deafness (PMID: 30693673). Invitae Evidence Modeling of protein sequence and biophysical properties (such as structural, functional, and spatial information, amino acid conservation, physicochemical variation, residue mobility, and thermodynamic stability) has been performed for this missense variant. However, the output from this modeling did not meet the statistical confidence thresholds required to predict the impact of this variant on GJB2 protein function. In summary, the available evidence is currently insufficient to determine the role of this variant in disease. Therefore, it has been classified as a Variant of Uncertain Significance.

Literature cited by the submitters: PubMed 30693673.